The following is an entry in ClinVar:

ClinVar aggregate classification (germline): Pathogenic (1 of 4 stars; one submission).

Conditions:
Retinitis pigmentosa 12 (RP12). Also called: RP WITH OR WITHOUT PRESERVED PARAARTERIOLE RETINAL PIGMENT EPITHELIUM; RETINITIS PIGMENTOSA WITH OR WITHOUT PARAARTERIOLAR PRESERVATION OF RETINAL PIGMENT EPITHELIUM; RP WITH OR WITHOUT PPRPE. Identifiers: Orphanet 791, MedGen C1838647, MONDO:0010818, OMIM 600105.
Leber congenital amaurosis 8 (LCA8). Identifiers: Orphanet 65, MedGen C3151202, MONDO:0013453, OMIM 613835.

Allele frequency attached by ClinVar (database versions not stated): ExAC 0.00001; TOPMed 0.00002.
gnomAD v4.1: 17 of 1,613,358 alleles (0.0011%); highest among the groups gnomAD compares: Non-Finnish European, 0.0014%; no homozygotes.

Submission:

Labcorp Genetics (formerly Invitae), Labcorp
Classification: Pathogenic for Leber congenital amaurosis 8; Retinitis pigmentosa 12. Last evaluated: 2022-03-24. Review status: criteria provided, single submitter. Criteria: Invitae Variant Classification Sherloc (09022015). Collection method: clinical testing. Allele origin: germline.
Comment: For these reasons, this variant has been classified as Pathogenic. Variants that disrupt the consensus splice site are a relatively common cause of aberrant splicing (PMID: 17576681, 9536098). Algorithms developed to predict the effect of sequence changes on RNA splicing suggest that this variant may disrupt the consensus splice site. Disruption of this splice site has been observed in individual(s) with CRB1-related conditions (PMID: 20683928, 24512366). In at least one individual the data is consistent with being in trans (on the opposite chromosome) from a pathogenic variant. This variant is present in population databases (rs752804194, gnomAD 0.0009%). This sequence change affects an acceptor splice site in intron 11 of the CRB1 gene. While this variant is not anticipated to result in nonsense mediated decay, it likely alters RNA splicing and results in a disrupted protein product.

Literature cited by the submitters: PubMed 17576681; PubMed 9536098; PubMed 20683928; PubMed 24512366.

NM_201253.3(CRB1):c.4006-1G>A

Gene: CRB1 (crumbs cell polarity complex component 1; plus strand). Cytogenetic location: 1q31.3.
Variant type: single nucleotide variant.
Coding change: c.4006-1G>A on transcript NM_201253.3 (MANE Select); the canonical splice acceptor site of the intron before coding-DNA position 4006, G replaced by A.
Molecular consequence: splice acceptor variant.
Genome position (GRCh38, 1-based): chr1:197,477,663, G>A. VCF-style: chr1-197477663-G-A. GRCh37 (hg19) VCF-style: chr1-197446793-G-A.
Other names: c.3934-1G>A (NM_001257965.2); c.2398-1G>A (NM_001257966.2); c.3670-1G>A (NM_001193640.2).
Identifiers: ClinVar variation 2202918 (VCV002202918.4), dbSNP rs752804194, ClinGen allele CA1312533.
Genomic context (GRCh38, chr1:197,477,663, plus strand): 5'-TCCTGAATATTTATTTGCCTTTGCTATAGAATTCGCATCCCAATGATTTCAATCTTTCCA[G>A]TTGGCAGATGACTTGATCTCCGACATTTTCACCACTATTGGCTCAGTGACTGTCGCCTTG-3'